The following is an entry in ClinVar:

NM_182961.4(SYNE1):c.13050G>T (p.Gln4350His)

Gene: SYNE1 (spectrin repeat containing nuclear envelope protein 1; minus strand). Cytogenetic location: 6q25.2.
Variant type: single nucleotide variant.
Coding change: c.13050G>T on transcript NM_182961.4 (MANE Select); coding-DNA position 13050, G replaced by T.
Protein change: p.Gln4350His; replaces glutamine 4350 with histidine.
Molecular consequence: missense variant.
Genome position (GRCh38, 1-based): chr6:152,331,635, C>A on the plus strand (G>T on the coding strand, the complement: SYNE1 is on the minus strand). VCF-style: chr6-152331635-C-A. GRCh37 (hg19) VCF-style: chr6-152652770-C-A.
Other names: c.12837G>T, p.Gln4279His (NM_033071.5); short protein forms Q4279H, Q4350H.
Identifiers: ClinVar variation 538398 (VCV000538398.8), dbSNP rs34464554, ClinGen allele CA4056264.

ClinVar aggregate classification (germline): Uncertain significance (1 of 4 stars; one submission).

Conditions:
Autosomal recessive ataxia, Beauce type. Also called: SYNE1-Related Autosomal Recessive Cerebellar Ataxia; Spinocerebellar ataxia, autosomal recessive 8; ATAXIA, RECESSIVE, OF BEAUCE; SYNE1 Deficiency. Identifiers: Orphanet 88644, MedGen C1853116, MONDO:0012549, OMIM 610743.
Emery-Dreifuss muscular dystrophy 4, autosomal dominant (EDMD4). Also called: EMERY-DREIFUSS MUSCULAR DYSTROPHY 4 WITH VARIABLE FEATURES. Identifiers: Orphanet 261, MedGen C2751807, MONDO:0013071, OMIM 612998.

Allele frequency attached by ClinVar (database versions not stated): gnomAD 0.00001; TOPMed 0.00001; ExAC 0.00002; ESP Exome Variant Server 0.00008.
gnomAD v4.1: 3 of 1,614,058 alleles (0.00019%); highest among the groups gnomAD compares: Non-Finnish European, 0.00025%; no homozygotes.

Submission:

Labcorp Genetics (formerly Invitae), Labcorp
Classification: Uncertain significance for Emery-Dreifuss muscular dystrophy 4, autosomal dominant; Autosomal recessive ataxia, Beauce type. Last evaluated: 2017-11-21. Review status: criteria provided, single submitter. Criteria: Invitae Variant Classification Sherloc (09022015). Collection method: clinical testing. Allele origin: germline.
Comment: This sequence change replaces glutamine with histidine at codon 4279 of the SYNE1 protein (p.Gln4279His). The glutamine residue is moderately conserved and there is a small physicochemical difference between glutamine and histidine. In summary, the available evidence is currently insufficient to determine the role of this variant in disease. Therefore, it has been classified as a Variant of Uncertain Significance. Algorithms developed to predict the effect of missense changes on protein structure and function (SIFT, PolyPhen-2, Align-GVGD) all suggest that this variant is likely to be tolerated, but these predictions have not been confirmed by published functional studies and their clinical significance is uncertain. This variant has not been reported in the literature in individuals with SYNE1-related disease. This variant is present in population databases (rs34464554, ExAC 0.003%).